The following is an entry in ClinVar:

ClinVar aggregate classification (germline): Pathogenic/Likely pathogenic. Review status: criteria provided, multiple submitters, no conflicts (2 of 4 stars). 4 submissions from 4 submitters: Pathogenic (1); Likely pathogenic (3). Last evaluated 2025-04-08.

Conditions:
PDE6C-related disorder. Also called: PDE6C-related condition.
Cone dystrophy 4 (COD4). Identifiers: Orphanet 49382, MedGen C2751308, MONDO:0013129, OMIM 613093.

Allele frequency attached by ClinVar (database versions not stated): TOPMed below 0.00001; gnomAD 0.00001.
gnomAD v4.1: 11 of 1,605,498 alleles (0.00069%); highest among the groups gnomAD compares: East Asian, 0.0045%; no homozygotes.

Submissions (4):

3billion
Classification: Pathogenic for Cone dystrophy 4. Last evaluated: 2025-04-08. Review status: criteria provided, single submitter. Criteria: ACMG Guidelines, 2015. Collection method: clinical testing. Allele origin: germline. Affected: yes.
Comment: The variant is observed at an extremely low frequency in the gnomAD v4.1.0 dataset (total allele frequency: <0.001%). Predicted Consequence/Location: Canonical splice site: predicted to alter splicing and result in a loss or disruption of normal protein function. Multiple pathogenic loss-of-function variants are reported downstream of the variant. In silico tools predict the variant to alter splicing and produce an abnormal transcript [SpliceAI: 0.99 (spliceogenicity >=0.2, non-spliceogenicity <0.1)]. The variant has been reported at least twice as pathogenic without evidence for the classification (ClinVar ID: VCV002136920). Therefore, this variant is classified as Pathogenic according to the recommendation of ACMG/AMP guideline.

Labcorp Genetics (formerly Invitae), Labcorp
Classification: Likely pathogenic. Last evaluated: 2024-11-16. Review status: criteria provided, single submitter. Criteria: Invitae Variant Classification Sherloc (09022015). Collection method: clinical testing. Allele origin: germline.
Comment: This sequence change affects a donor splice site in intron 6 of the PDE6C gene. It is expected to disrupt RNA splicing. Variants that disrupt the donor or acceptor splice site typically lead to a loss of protein function (PMID: 16199547), and loss-of-function variants in PDE6C are known to be pathogenic (PMID: 19887631, 23776498, 26103963, 30080950). This variant is present in population databases (no rsID available, gnomAD 0.06%). Disruption of this splice site has been observed in individual(s) with cone-rod dystrophy (PMID: 23776498). ClinVar contains an entry for this variant (Variation ID: 2136920). Algorithms developed to predict the effect of sequence changes on RNA splicing suggest that this variant may disrupt the consensus splice site. In summary, the currently available evidence indicates that the variant is pathogenic, but additional data are needed to prove that conclusively. Therefore, this variant has been classified as Likely Pathogenic.

Broad Center for Mendelian Genomics, Broad Institute of MIT and Harvard
Classification: Likely pathogenic for Cone dystrophy 4. Last evaluated: 2023-05-02. Review status: criteria provided, single submitter. Criteria: ACMG Guidelines, 2015. Collection method: curation. Allele origin: germline. Inheritance: Autosomal recessive inheritance.
Comment: The c.1004+1G>A variant in PDE6C has been previously reported in 3 unrelated individuals with cone dystrophy 4 (PMID: 30080950, PMID: 23776498, PMID: 26992781), but has been identified in 0.02% (1/5196) of East Asian chromosomes by the Genome Aggregation Database (gnomAD; dbSNP ID: rs958171434). Although this variant has been seen in the general population in a heterozygous state, its frequency is not high enough to rule out a pathogenic role. Of these 3 affected individuals, two were homozygotes (PMID: 30080950, PMID: 23776498) and one was a compound heterozygote who carried a variant of uncertain significance in trans (PMID: 26992781; ClinVar Variation ID: 835028), which increases the likelihood that the c.1004+1G>A variant is pathogenic. This variant is located in the 5' splice region. Computational tools predict a splicing impact, though this information is not predictive enough to determine pathogenicity. Loss of function of the PDE6C gene is an established disease mechanism in autosomal recessive cone dystrophy 4. In summary, although additional studies are required to fully establish its clinical significance, this variant is likely pathogenic for autosomal recessive cone dystrophy 4. ACMG/AMP Criteria applied: PVS1, PM3 (Richards 2015).

Blueprint Genetics
Classification: Likely pathogenic for PDE6C-related disorders. Last evaluated: 2023-02-17. Review status: criteria provided, single submitter. Criteria: ACMG Guidelines, 2015. Collection method: clinical testing. Allele origin: germline. Affected: yes. Observed: 2 variant alleles.

Literature cited by the submitters: PubMed 16199547 (cited by Labcorp Genetics (formerly Invitae), Labcorp); PubMed 19887631 (cited by Labcorp Genetics (formerly Invitae), Labcorp); PubMed 23776498 (cited by Labcorp Genetics (formerly Invitae), Labcorp); PubMed 26103963 (cited by Labcorp Genetics (formerly Invitae), Labcorp); PubMed 30080950 (cited by Labcorp Genetics (formerly Invitae), Labcorp).

NM_006204.4(PDE6C):c.1004+1G>A

Gene: PDE6C (phosphodiesterase 6C; plus strand). Cytogenetic location: 10q23.33.
Variant type: single nucleotide variant.
Coding change: c.1004+1G>A on transcript NM_006204.4 (MANE Select); the canonical splice donor site of the intron after coding-DNA position 1004, G replaced by A.
Molecular consequence: splice donor variant.
Genome position (GRCh38, 1-based): chr10:93,626,705, G>A. VCF-style: chr10-93626705-G-A. GRCh37 (hg19) VCF-style: chr10-95386462-G-A.
Other names: NM_006204.4:c.1004+1G>A.
Identifiers: ClinVar variation 2136920 (VCV002136920.7), dbSNP rs958171434, ClinGen allele CA211576968.